The following is an entry in ClinVar:

ClinVar aggregate classification (germline): Likely benign (0 of 4 stars; one submission).

Conditions:
PCDHA3-related disorder. Also called: PCDHA3-related condition.

Allele frequency attached by ClinVar (database versions not stated): ESP Exome Variant Server 0.00115; gnomAD 0.00121; TOPMed 0.00135; 1000 Genomes Project 0.00160; 1000 Genomes Project 30x 0.00172; ExAC 0.00034; gnomAD exomes 0.00016.
gnomAD v4.1: 442 of 1,614,214 alleles (0.027%); highest among the groups gnomAD compares: African/African-American, 0.52%; 1 homozygote.

Submission:

PreventionGenetics, part of Exact Sciences
Classification: Likely benign for PCDHA3-related condition. Last evaluated: 2019-09-17. Review status: no assertion criteria provided. Collection method: clinical testing. Allele origin: germline.
Comment: This variant is classified as likely benign based on ACMG/AMP sequence variant interpretation guidelines (Richards et al. 2015 PMID: 25741868, with internal and published modifications).

NM_018906.3(PCDHA3):c.702T>C (p.Asp234=)

Genes: PCDHA1 (protocadherin alpha 1; plus strand), PCDHA2 (protocadherin alpha 2; plus strand), PCDHA3 (protocadherin alpha 3; plus strand), PCDHA@ (protocadherin alpha cluster, complex locus; plus strand). Cytogenetic location: 5q31.3.
Variant type: single nucleotide variant.
Coding change: c.702T>C on transcript NM_018906.3 (MANE Select); coding-DNA position 702, T replaced by C.
Protein change: p.Asp234=; no amino-acid change (aspartic acid 234 retained).
Molecular consequence: synonymous variant. On other transcripts: intron variant (4).
Genome position (GRCh38, 1-based): chr5:140,801,899, T>C. VCF-style: chr5-140801899-T-C. GRCh37 (hg19) VCF-style: chr5-140181484-T-C.
Other names: c.702T>C, p.Asp234= (NM_031497.2); c.2394+13215T>C (NM_018900.4); c.1602+14007T>C (NM_031411.3); c.2388+4547T>C (NM_018905.3); c.2389-3161T>C (NM_031496.2).
Identifiers: ClinVar variation 3037131 (VCV003037131.2), dbSNP rs61735497, ClinGen allele CA3446337.